The following is an entry in ClinVar:

ClinVar aggregate classification (germline): Likely benign (1 of 4 stars; one submission).

Submission:

CeGaT Center for Human Genetics Tuebingen
Classification: Likely benign. Last evaluated: 2026-05-01. Review status: criteria provided, single submitter. Criteria: CeGaT Center For Human Genetics Tuebingen Variant Classification Criteria Version 2. Collection method: clinical testing. Allele origin: germline. Affected: yes. Observed: 1 variant allele.
Comment: FZD8: PM2:Supporting, BP4, BP7

NM_031866.3(FZD8):c.1083C>T (p.Gly361=)

Gene: FZD8 (frizzled class receptor 8; minus strand). Cytogenetic location: 10p11.21.
Variant type: single nucleotide variant.
Coding change: c.1083C>T on transcript NM_031866.3 (MANE Select); coding-DNA position 1083, C replaced by T.
Protein change: p.Gly361=; no amino-acid change (glycine 361 retained).
Molecular consequence: synonymous variant.
Genome position (GRCh38, 1-based): chr10:35,640,347, G>A on the plus strand (C>T on the coding strand, the complement: FZD8 is on the minus strand). VCF-style: chr10-35640347-G-A. GRCh37 (hg19) VCF-style: chr10-35929275-G-A.
Identifiers: ClinVar variation 4872820 (VCV004872820.2).